The following is an entry in ClinVar:

ClinVar aggregate classification (germline): Uncertain significance (1 of 4 stars; one submission).

Conditions:
Hyperkalemic periodic paralysis. Also called: Gamstorp disease; Familial hyperkalemic periodic paralysis. Identifiers: Orphanet 682, MedGen C0238357, MONDO:0008224, OMIM 170500, HP:0007215.

Submission:

Labcorp Genetics (formerly Invitae), Labcorp
Classification: Uncertain significance for Hyperkalemic periodic paralysis. Last evaluated: 2018-05-12. Review status: criteria provided, single submitter. Criteria: Invitae Variant Classification Sherloc (09022015). Collection method: clinical testing. Allele origin: germline.
Comment: This variant is not present in population databases (ExAC no frequency). This sequence change affects codon 1240 of the SCN4A mRNA. It is a 'silent' change, meaning that it does not change the encoded amino acid sequence of the SCN4A protein. This variant also falls at the last nucleotide of exon 19 of the SCN4A coding sequence, which is part of the consensus splice site for this exon. This variant has not been reported in the literature in individuals with SCN4A-related disease. In summary, the available evidence is currently insufficient to determine the role of this variant in disease. Therefore, it has been classified as a Variant of Uncertain Significance. Nucleotide substitutions within the consensus splice site are a relatively common cause of aberrant splicing (PMID: 17576681, 9536098). Algorithms developed to predict the effect of sequence changes on RNA splicing suggest that this variant may disrupt the consensus splice site, but this prediction has not been confirmed by published transcriptional studies.

Literature cited by the submitters: PubMed 17576681; PubMed 9536098.

NM_000334.4(SCN4A):c.3720G>A (p.Val1240=)

Genes: GH-LCR (growth hormone locus control region; plus strand), SCN4A (sodium voltage-gated channel alpha subunit 4; minus strand). Cytogenetic location: 17q23.3.
Variant type: single nucleotide variant.
Coding change: c.3720G>A on transcript NM_000334.4 (MANE Select); coding-DNA position 3720, G replaced by A.
Protein change: p.Val1240=; no amino-acid change (valine 1240 retained).
Molecular consequence: synonymous variant.
Genome position (GRCh38, 1-based): chr17:63,945,360, C>T on the plus strand (G>A on the coding strand, the complement: SCN4A is on the minus strand). VCF-style: chr17-63945360-C-T. GRCh37 (hg19) VCF-style: chr17-62022720-C-T.
Identifiers: ClinVar variation 568273 (VCV000568273.7), dbSNP rs1567818014, ClinGen allele CA501348559.